The following is an entry in ClinVar:

ClinVar aggregate classification (germline): Likely pathogenic (1 of 4 stars; one submission).

Conditions:
Global developmental delay, absent or hypoplastic corpus callosum, and dysmorphic facies (GDACCF). Identifiers: MedGen C4310644, MONDO:0014994, OMIM 617260.

Submission:

3billion
Classification: Likely pathogenic for Global developmental delay, absent or hypoplastic corpus callosum, and dysmorphic facies. Last evaluated: 2025-11-23. Review status: criteria provided, single submitter. Criteria: ACMG Guidelines, 2015. Collection method: clinical testing. Allele origin: germline. Affected: yes.
Comment: The variant is not observed in the gnomAD v4.1.0 dataset. Predicted Consequence/Location: Frameshift: predicted to result in a loss or disruption of normal protein function through nonsense-mediated decay (NMD) or protein truncation. Multiple pathogenic variants are reported downstream of the variant. Therefore, this variant is classified as Likely pathogenic according to the recommendation of ACMG/AMP guideline.

NM_021964.3(ZNF148):c.675del (p.Lys225fs)

Gene: ZNF148 (zinc finger protein 148; minus strand). Cytogenetic location: 3q21.2.
Variant type: Deletion.
Coding change: c.675del on transcript NM_021964.3 (MANE Select); coding-DNA position 675, one base deleted (A; older notation c.675delA).
Protein change: p.Lys225fs; shifts the reading frame from lysine 225.
Molecular consequence: frameshift variant.
Genome position (GRCh38, 1-based): chr3:125,234,322, T deleted on the plus strand (A on the coding strand, the reverse complement: ZNF148 is on the minus strand); the first of 5 consecutive T bases (chr3:125,234,322-125,234,326); deleting any one gives the same sequence. VCF-style (leftmost placement, unchanged base first): chr3-125234321-GT-G. GRCh37 (hg19) VCF-style: chr3-124953165-GT-G.
Other names: c.675del, p.Lys225fs (NM_001348424.1, NM_001348425.2, NM_001348426.2 and 7 more transcripts); c.549del, p.Lys183fs (NM_001348434.2); short protein forms K183fs, K225fs.
Identifiers: ClinVar variation 4856282 (VCV004856282.1).
Genomic context (GRCh38, chr3:125,234,321, plus strand): 5'-TATGCCTTTCCATATGATATTTTTGTATGAATCTCATACCACATTCATCACAGCGAAATG[GT>G]TTTTCACCTAGCACATAATATAGAAAGTTTAAAACAAAACAAATATTGTAAAATAATGAA-3'